The following is an entry in ClinVar:

ClinVar aggregate classification (germline): Uncertain significance. Review status: criteria provided, multiple submitters, no conflicts (2 of 4 stars). 2 submissions from 2 submitters: Uncertain significance (2). Last evaluated 2024-02-22.

Conditions:
Rubinstein-Taybi syndrome (RSTS). Identifiers: Orphanet 783, MedGen C0035934, MONDO:0019188.

gnomAD v4.1: 2 of 1,614,172 alleles (0.00012%); highest among the groups gnomAD compares: Non-Finnish European, 0.000085%; no homozygotes.

Submissions (2):

Labcorp Genetics (formerly Invitae), Labcorp
Classification: Uncertain significance for Rubinstein-Taybi syndrome. Last evaluated: 2024-02-22. Review status: criteria provided, single submitter. Criteria: Invitae Variant Classification Sherloc (09022015). Collection method: clinical testing. Allele origin: germline.
Comment: This sequence change replaces glutamine, which is neutral and polar, with proline, which is neutral and non-polar, at codon 987 of the CREBBP protein (p.Gln987Pro). This variant is not present in population databases (gnomAD no frequency). This variant has not been reported in the literature in individuals affected with CREBBP-related conditions. Advanced modeling of protein sequence and biophysical properties (such as structural, functional, and spatial information, amino acid conservation, physicochemical variation, residue mobility, and thermodynamic stability) performed at Invitae indicates that this missense variant is not expected to disrupt CREBBP protein function with a negative predictive value of 95%. In summary, the available evidence is currently insufficient to determine the role of this variant in disease. Therefore, it has been classified as a Variant of Uncertain Significance.

GeneDx
Classification: Uncertain significance. Last evaluated: 2024-02-14. Review status: criteria provided, single submitter. Criteria: GeneDx Variant Classification Process June 2021. Collection method: clinical testing. Allele origin: germline. Affected: yes.
Comment: Not observed at significant frequency in large population cohorts (gnomAD); In silico analysis supports that this missense variant has a deleterious effect on protein structure/function; Has not been previously published as pathogenic or benign to our knowledge

NM_004380.3(CREBBP):c.2960A>C (p.Gln987Pro)

Gene: CREBBP (CREB binding lysine acetyltransferase; minus strand). Cytogenetic location: 16p13.3.
Variant type: single nucleotide variant.
Coding change: c.2960A>C on transcript NM_004380.3 (MANE Select); coding-DNA position 2960, A replaced by C.
Protein change: p.Gln987Pro; replaces glutamine 987 with proline.
Molecular consequence: missense variant.
Genome position (GRCh38, 1-based): chr16:3,769,274, T>G on the plus strand (A>C on the coding strand, the complement: CREBBP is on the minus strand). VCF-style: chr16-3769274-T-G. GRCh37 (hg19) VCF-style: chr16-3819275-T-G.
Other names: c.2846A>C, p.Gln949Pro (NM_001079846.1); short protein forms Q949P, Q987P.
Identifiers: ClinVar variation 3343883 (VCV003343883.3).